The following is an entry in ClinVar:

ClinVar aggregate classification (germline): Uncertain significance. Review status: criteria provided, multiple submitters, no conflicts (2 of 4 stars). 3 submissions from 3 submitters: Uncertain significance (3). Last evaluated 2025-12-01.

Conditions:
Cardiovascular phenotype. Identifiers: MedGen CN230736.
Primary dilated cardiomyopathy (DCM). Also called: Dilated Cardiomyopathy. Identifiers: Orphanet 217604, MedGen C0007193, MeSH D002311, MONDO:0005021, HP:0001644. Inheritance: Various modes of inheritance.

Allele frequency attached by ClinVar (database versions not stated): ESP Exome Variant Server 0.00016; ExAC 0.00011; TOPMed 0.00013; gnomAD 0.00007; 1000 Genomes Project 30x 0.00016; gnomAD exomes 0.00014.
gnomAD v4.1: 208 of 1,600,740 alleles (0.013%); highest among the groups gnomAD compares: Non-Finnish European, 0.016%; no homozygotes.

Submissions (3):

Labcorp Genetics (formerly Invitae), Labcorp
Classification: Uncertain significance for Primary dilated cardiomyopathy. Last evaluated: 2025-12-01. Review status: criteria provided, single submitter. Criteria: Invitae Variant Classification Sherloc (09022015). Collection method: clinical testing. Allele origin: germline.
Comment: This sequence change replaces threonine, which is neutral and polar, with methionine, which is neutral and non-polar, at codon 518 of the TXNRD2 protein (p.Thr518Met). This variant is present in population databases (rs372446673, gnomAD 0.03%). This variant has not been reported in the literature in individuals affected with TXNRD2-related conditions. ClinVar contains an entry for this variant (Variation ID: 1775101). An algorithm developed to predict the effect of missense changes on protein structure and function (PolyPhen-2) suggests that this variant is likely to be tolerated. In summary, the available evidence is currently insufficient to determine the role of this variant in disease. Therefore, it has been classified as a Variant of Uncertain Significance.

Ambry Genetics
Classification: Uncertain significance for Cardiovascular phenotype. Last evaluated: 2025-06-28. Review status: criteria provided, single submitter. Criteria: Ambry Variant Classification Scheme 2023. Collection method: clinical testing. Allele origin: germline.
Comment: The p.T518M variant (also known as c.1553C>T), located in coding exon 17 of the TXNRD2 gene, results from a C to T substitution at nucleotide position 1553. The threonine at codon 518 is replaced by methionine, an amino acid with similar properties. This amino acid position is well conserved in available vertebrate species. In addition, this alteration is predicted to be tolerated by in silico analysis. The evidence for this gene-disease relationship is limited; therefore, the clinical significance of this alteration is unclear.

GeneDx
Classification: Uncertain significance. Last evaluated: 2024-06-04. Review status: criteria provided, single submitter. Criteria: GeneDx Variant Classification Process June 2021. Collection method: clinical testing. Allele origin: germline.
Comment: Has not been previously published as pathogenic or benign to our knowledge; In silico analysis supports that this missense variant has a deleterious effect on protein structure/function

NM_006440.5(TXNRD2):c.1553C>T (p.Thr518Met)

Gene: TXNRD2 (thioredoxin reductase 2; minus strand). Cytogenetic location: 22q11.21.
Variant type: single nucleotide variant.
Coding change: c.1553C>T on transcript NM_006440.5 (MANE Select); coding-DNA position 1553, C replaced by T.
Protein change: p.Thr518Met; replaces threonine 518 with methionine.
Molecular consequence: missense variant. On other transcripts: non-coding transcript variant (1).
Genome position (GRCh38, 1-based): chr22:19,877,127, G>A on the plus strand (C>T on the coding strand, the complement: TXNRD2 is on the minus strand). VCF-style: chr22-19877127-G-A. GRCh37 (hg19) VCF-style: chr22-19864650-G-A.
Other names: c.1550C>T, p.Thr517Met (NM_001352300.2); c.1463C>T, p.Thr488Met (NM_001352301.2); c.1265C>T, p.Thr422Met (NM_001352302.2); short protein forms T518M, T422M, T517M, T488M.
Identifiers: ClinVar variation 1775101 (VCV001775101.12), dbSNP rs372446673, ClinGen allele CA10103596.